The following is an entry in ClinVar:

NM_001386298.1(CIC):c.4869del (p.Ser1624fs)

Gene: CIC (capicua transcriptional repressor; plus strand). Cytogenetic location: 19q13.2.
Variant type: Deletion.
Coding change: c.4869del on transcript NM_001386298.1 (MANE Select); coding-DNA position 4869, one base deleted (G; older notation c.4869delG).
Protein change: p.Ser1624fs; shifts the reading frame from serine 1624.
Molecular consequence: frameshift variant.
Genome position (GRCh38, 1-based): chr19:42,290,910, G deleted; the last of 3 consecutive G bases (chr19:42,290,908-42,290,910); deleting any one gives the same sequence. VCF-style (leftmost placement, unchanged base first): chr19-42290907-TG-T. GRCh37 (hg19) VCF-style: chr19-42795059-TG-T.
Other names: c.4869del, p.Ser1624fs (NM_001304815.2, NM_001379480.1, NM_001379482.1); c.4869delG, p.Ser1624Leufs (NM_001379483.1); c.2142del, p.Ser715fs (NM_001379484.1, NM_001379485.1, NM_015125.5); short protein forms S1624fs, S715fs.
Identifiers: ClinVar variation 3066278 (VCV003066278.1), dbSNP rs2513951852, ClinGen allele CA2740097976.
Genomic context (GRCh38, chr19:42,290,907, plus strand): 5'-CTCTGGCCGGGCTGAGGCGTCTCCAAATGACACAGCAGGTGCCAGGACTGAAATGGGCAC[TG>T]GGTCTCGGGTGCCTGGGGGCTCCCCGCTGGGTGTCAGCTTAGTGTATTCGGACAAGAAGT-3'

ClinVar aggregate classification (germline): Likely pathogenic (1 of 4 stars; one submission).

Conditions:
Intellectual developmental disorder, autosomal dominant 45. Also called: MENTAL RETARDATION, AUTOSOMAL DOMINANT 45; Intellectual disability, autosomal dominant 45. Identifiers: MedGen C4539848, MONDO:0030910, OMIM 617600.

Submission:

MVZ Medizinische Genetik Mainz
Classification: Likely pathogenic for Intellectual developmental disorder, autosomal dominant 45. Last evaluated: 2022-05-20. Review status: criteria provided, single submitter. Criteria: UK Practice Guidelines For Variant Classification V4 01 2020. Collection method: clinical testing. Allele origin: germline. Inheritance: Autosomal dominant inheritance. Affected: yes. Observed: 1 variant allele.
Comment: ACMG Criteria: PVS1, PM2